The following is an entry in ClinVar:

NM_014014.5(SNRNP200):c.5075A>G (p.Asn1692Ser)

Genes: SNRNP200 (small nuclear ribonucleoprotein U5 subunit 200; minus strand), LOC126806272 (BRD4-independent group 4 enhancer GRCh37_chr2:96944520-96945719; plus strand). Cytogenetic location: 2q11.2.
Variant type: single nucleotide variant.
Coding change: c.5075A>G on transcript NM_014014.5 (MANE Select); coding-DNA position 5075, A replaced by G.
Protein change: p.Asn1692Ser; replaces asparagine 1692 with serine.
Molecular consequence: missense variant.
Genome position (GRCh38, 1-based): chr2:96,279,509, T>C on the plus strand (A>G on the coding strand, the complement: SNRNP200 is on the minus strand). VCF-style: chr2-96279509-T-C. GRCh37 (hg19) VCF-style: chr2-96945247-T-C.
Other names: short protein forms N1692S.
Identifiers: ClinVar variation 1910432 (VCV001910432.5), dbSNP rs1667549989, ClinGen allele CA347660978.

ClinVar aggregate classification (germline): Uncertain significance (1 of 4 stars; one submission).

Allele frequency attached by ClinVar (database versions not stated): gnomAD exomes below 0.00001; TOPMed below 0.00001.
gnomAD v4.1: 3 of 1,614,136 alleles (0.00019%); highest among the groups gnomAD compares: Admixed American, 0.0017%; no homozygotes.

Submission:

Labcorp Genetics (formerly Invitae), Labcorp
Classification: Uncertain significance. Last evaluated: 2025-04-11. Review status: criteria provided, single submitter. Criteria: Invitae Variant Classification Sherloc (09022015). Collection method: clinical testing. Allele origin: germline.
Comment: This sequence change replaces asparagine, which is neutral and polar, with serine, which is neutral and polar, at codon 1692 of the SNRNP200 protein (p.Asn1692Ser). This variant is not present in population databases (gnomAD no frequency). This variant has not been reported in the literature in individuals affected with SNRNP200-related conditions. ClinVar contains an entry for this variant (Variation ID: 1910432). Invitae Evidence Modeling of protein sequence and biophysical properties (such as structural, functional, and spatial information, amino acid conservation, physicochemical variation, residue mobility, and thermodynamic stability) indicates that this missense variant is not expected to disrupt SNRNP200 protein function with a negative predictive value of 95%. In summary, the available evidence is currently insufficient to determine the role of this variant in disease. Therefore, it has been classified as a Variant of Uncertain Significance.